The following is an entry in ClinVar:

NM_016219.5(MAN1B1):c.1748G>A (p.Arg583Gln)

Gene: MAN1B1 (mannosidase alpha class 1B member 1; plus strand). Cytogenetic location: 9q34.3.
Variant type: single nucleotide variant.
Coding change: c.1748G>A on transcript NM_016219.5 (MANE Select); coding-DNA position 1748, G replaced by A.
Protein change: p.Arg583Gln; replaces arginine 583 with glutamine.
Molecular consequence: missense variant. On other transcripts: non-coding transcript variant (2).
Genome position (GRCh38, 1-based): chr9:137,107,431, G>A. VCF-style: chr9-137107431-G-A. GRCh37 (hg19) VCF-style: chr9-140001883-G-A.
Other names: c.1640G>A, p.Arg547Gln (NM_007230.1); c.1748G>A (NM_016219.3, NM_016219.4); short protein forms R583Q, R547Q.
Identifiers: ClinVar variation 2149600 (VCV002149600.4), dbSNP rs574151197, ClinGen allele CA5359357.
Genomic context (GRCh38, chr9:137,107,431, plus strand): 5'-TGGAGACGGGGCTGAGTCCCGAGATCGTGCACTTCAACCTTTACCCCCAGCCGGGCCGTC[G>A]GGACGTGGAGGTCAAGGTGGGCCTGGGCCTGGGTCAGGGTCCATCAGGAGGAGGGTGCTG-3'
Protein context (NP_057303.2, residues 573-593): HFNLYPQPGR[Arg583Gln]DVEVKPADRH

ClinVar aggregate classification (germline): Uncertain significance. Review status: criteria provided, multiple submitters, no conflicts (2 of 4 stars). 3 submissions from 3 submitters: Uncertain significance (3). Last evaluated 2024-02-05.

Conditions:
Rafiq syndrome (RAFQS). Identifiers: Orphanet 88616, MedGen C3280127, MONDO:0013624, OMIM 614202.
Inborn genetic diseases. Identifiers: MedGen C0950123, MeSH D030342.

Allele frequency attached by ClinVar (database versions not stated): ExAC 0.00007; TOPMed 0.00007; gnomAD 0.00011; gnomAD exomes 0.00011; 1000 Genomes Project 30x 0.00016; 1000 Genomes Project 0.00020.
gnomAD v4.1: 179 of 1,613,396 alleles (0.011%); highest among the groups gnomAD compares: South Asian, 0.016%; no homozygotes.

Submissions (3):

Ambry Genetics
Classification: Uncertain significance for Inborn genetic diseases. Last evaluated: 2024-02-05. Review status: criteria provided, single submitter. Criteria: Ambry Variant Classification Scheme 2023. Collection method: clinical testing. Allele origin: germline.

GeneDx
Classification: Uncertain significance. Last evaluated: 2023-09-23. Review status: criteria provided, single submitter. Criteria: GeneDx Variant Classification Process June 2021. Collection method: clinical testing. Allele origin: germline. Affected: yes.
Comment: In silico analysis supports that this missense variant does not alter protein structure/function; Has not been previously published as pathogenic or benign to our knowledge

Labcorp Genetics (formerly Invitae), Labcorp
Classification: Uncertain significance for Rafiq syndrome. Last evaluated: 2023-06-15. Review status: criteria provided, single submitter. Criteria: Invitae Variant Classification Sherloc (09022015). Collection method: clinical testing. Allele origin: germline.
Comment: In summary, the available evidence is currently insufficient to determine the role of this variant in disease. Therefore, it has been classified as a Variant of Uncertain Significance. Algorithms developed to predict the effect of missense changes on protein structure and function output the following: SIFT: "Not Available"; PolyPhen-2: "Benign"; Align-GVGD: "Not Available". The glutamine amino acid residue is found in multiple mammalian species, which suggests that this missense change does not adversely affect protein function. ClinVar contains an entry for this variant (Variation ID: 2149600). This variant has not been reported in the literature in individuals affected with MAN1B1-related conditions. This variant is present in population databases (rs574151197, gnomAD 0.02%). This sequence change replaces arginine, which is basic and polar, with glutamine, which is neutral and polar, at codon 583 of the MAN1B1 protein (p.Arg583Gln).